The following is an entry in ClinVar:

NM_033380.3(COL4A5):c.3247-1G>C

Gene: COL4A5 (collagen type IV alpha 5 chain; plus strand). Cytogenetic location: Xq22.3.
Variant type: single nucleotide variant.
Coding change: c.3247-1G>C on transcript NM_033380.3 (MANE Select); the canonical splice acceptor site of the intron before coding-DNA position 3247, G replaced by C.
Molecular consequence: splice acceptor variant.
Genome position (GRCh38, 1-based): chrX:108,655,330, G>C. VCF-style: chrX-108655330-G-C. GRCh37 (hg19) VCF-style: chrX-107898560-G-C.
Other names: c.3247-1G>C (NM_000495.5).
Identifiers: ClinVar variation 3255209 (VCV003255209.1), dbSNP rs1569504056.

ClinVar aggregate classification (germline): Pathogenic (1 of 4 stars; one submission).

Conditions:
X-linked Alport syndrome (ATS1). Also called: COL4A5-Related Nephropathy; NEPHROPATHY AND DEAFNESS, X-LINKED. Identifiers: Orphanet 63, Orphanet 88917, MedGen C4746986, MONDO:0010520, OMIM 301050.

Submission:

Victorian Clinical Genetics Services, Murdoch Childrens Research Institute
Classification: Pathogenic for X-linked Alport syndrome. Last evaluated: 2023-12-21. Review status: criteria provided, single submitter. Criteria: ACMG Guidelines, 2015. Collection method: clinical testing. Allele origin: germline. Inheritance: X-linked dominant inheritance. Affected: yes.
Comment: Based on the classification scheme VCGS_Germline_v1.3.4, this variant is classified as Pathogenic. Following criteria are met: 0103 - Dominant negative and loss of function are known mechanisms of disease in this gene and are associated with X-linked Alport syndrome 1 (MIM#301050). Dominant negative is caused mostly by glycine substitutions that affect the conformation of the protein, and loss of function can be caused by either protein truncating or missense variants (PMID: 24046192, 12028435). (I) 0110 - This gene is associated with X-linked dominant disease. Males are typically more severely affected than females (PMID: 19965530). (I) 0115 - Variants in this gene are known to have variable expressivity. There is intrafamilial variability among affected carrier females, possibly due to variable X-inactivation (PMID: 14514738). (I) 0211 - Canonical splice site variant without proven consequence on splicing (no functional evidence available). (SP) 0253 - This variant is hemizygous. (I) 0301 - Variant is absent from gnomAD (both v2 and v3). (SP) 0505 - Abnormal splicing is predicted by in silico tools and affected nucleotide is highly conserved. (SP) 0703 - Other canonical splice variants comparable to the one identified in this case have moderate previous evidence for pathogenicity. These changes (c.3247-1G>A, c.3247-2A>G) have each been reported once as pathogenic, and have each been observed in an individual with Alport syndrome (ClinVar, PMID: 37100867, PMID: 29270492). (SP) 0803 - This variant has limited previous evidence of pathogenicity in an unrelated individual. This variant has been reported once in an individual with Alport syndrome and stage 2 chronic kidney disease (PMID: 37100867). (SP) 0905 - No published segregation evidence has been identified for this variant. (I) 1007 - No published functional evidence has been identified for this variant. (I) 1208 - Inheritance information for this variant is not currently available in this individual. (I) Legend: (SP) - Supporting pathogenic, (I) - Information, (SB) - Supporting benign

Literature cited by the submitters: PubMed 12028435; PubMed 14514738; PubMed 19965530; PubMed 24046192; PubMed 29270492; PubMed 37100867.